The following is an entry in ClinVar:

ClinVar aggregate classification (germline): Uncertain significance. Review status: criteria provided, multiple submitters, no conflicts (2 of 4 stars). 2 submissions from 2 submitters: Uncertain significance (2). Last evaluated 2024-10-24.

Conditions:
Proline dehydrogenase deficiency (HYRPRO1). Also called: Hyperprolinemia type 1; PROLINE OXIDASE DEFICIENCY. Identifiers: Orphanet 419, MedGen C0268529, MONDO:0009400, OMIM 239500.
Schizophrenia 4 (SCZD4). Also called: SCHIZOPHRENIA, SUSCEPTIBILITY TO, 4; SCHIZOPHRENIA SUSCEPTIBILITY LOCUS, CHROMOSOME 22q11-RELATED. Identifiers: MedGen C1833247, MONDO:0010943, OMIM 600850.

Allele frequency attached by ClinVar (database versions not stated): ExAC 0.00002; gnomAD exomes 0.00004; gnomAD 0.00009; 1000 Genomes Project 30x 0.00031; 1000 Genomes Project 0.00040.
gnomAD v4.1: 7 of 139,496 alleles (0.005%); highest among the groups gnomAD compares: African/African-American, 0.012%; no homozygotes.

Submissions (2):

Labcorp Genetics (formerly Invitae), Labcorp
Classification: Uncertain significance for Proline dehydrogenase deficiency. Last evaluated: 2024-10-24. Review status: criteria provided, single submitter. Criteria: Invitae Variant Classification Sherloc (09022015). Collection method: clinical testing. Allele origin: germline.
Comment: This sequence change falls in intron 12 of the PRODH gene. It does not directly change the encoded amino acid sequence of the PRODH protein. It affects a nucleotide within the consensus splice site. This variant is present in population databases (rs201286120, gnomAD 0.01%). This variant has not been reported in the literature in individuals affected with PRODH-related conditions. ClinVar contains an entry for this variant (Variation ID: 2076465). Variants that disrupt the consensus splice site are a relatively common cause of aberrant splicing (PMID: 17576681, 9536098). Algorithms developed to predict the effect of sequence changes on RNA splicing suggest that this variant is not likely to affect RNA splicing. In summary, the available evidence is currently insufficient to determine the role of this variant in disease. Therefore, it has been classified as a Variant of Uncertain Significance.

Fulgent Genetics
Classification: Uncertain significance for Proline dehydrogenase deficiency; Schizophrenia 4. Last evaluated: 2024-01-08. Review status: criteria provided, single submitter. Criteria: ACMG Guidelines, 2015. Collection method: clinical testing. Allele origin: germline.

Literature cited by the submitters: PubMed 17576681 (cited by Labcorp Genetics (formerly Invitae), Labcorp); PubMed 9536098 (cited by Labcorp Genetics (formerly Invitae), Labcorp).

NM_016335.6(PRODH):c.1427+4C>T

Gene: PRODH (proline dehydrogenase 1; minus strand). Cytogenetic location: 22q11.21.
Variant type: single nucleotide variant.
Coding change: c.1427+4C>T on transcript NM_016335.6 (MANE Select); 4 bases into the intron after coding-DNA position 1427, C replaced by T.
Molecular consequence: intron variant.
Genome position (GRCh38, 1-based): chr22:18,918,312, G>A on the plus strand (C>T on the coding strand, the complement: PRODH is on the minus strand). VCF-style: chr22-18918312-G-A. GRCh37 (hg19) VCF-style: chr22-18905825-G-A.
Other names: c.1103+4C>T (NM_001195226.2).
Identifiers: ClinVar variation 2076465 (VCV002076465.5), dbSNP rs201286120, ClinGen allele CA10094956.